The following is an entry in ClinVar:

NM_005592.4(MUSK):c.129A>T (p.Glu43Asp)

Gene: MUSK (muscle associated receptor tyrosine kinase; plus strand). Cytogenetic location: 9q31.3.
Variant type: single nucleotide variant.
Coding change: c.129A>T on transcript NM_005592.4 (MANE Select); coding-DNA position 129, A replaced by T.
Protein change: p.Glu43Asp; replaces glutamic acid 43 with aspartic acid.
Molecular consequence: missense variant.
Genome position (GRCh38, 1-based): chr9:110,682,723, A>T. VCF-style: chr9-110682723-A-T. GRCh37 (hg19) VCF-style: chr9-113445003-A-T.
Other names: c.129A>T, p.Glu43Asp (NM_001166280.2, NM_001166281.2); short protein forms E43D.
Identifiers: ClinVar variation 1384922 (VCV001384922.6), dbSNP rs2131656584, ClinGen allele CA374669918.

ClinVar aggregate classification (germline): Uncertain significance (1 of 4 stars; one submission).

Conditions:
Congenital myasthenic syndrome 9. Also called: Myasthenic syndrome, congenital, 9, associated with acetylcholine receptor deficiency. Identifiers: Orphanet 590, MedGen C4225368, MONDO:0014587, OMIM 616325.
Fetal akinesia deformation sequence 1 (FADS1). Also called: Fetal akinesia sequence; Pena-Shokeir syndrome type I. Identifiers: Orphanet 994, MedGen C1276035, MONDO:0100101, OMIM 208150, HP:0001989.

Submission:

Labcorp Genetics (formerly Invitae), Labcorp
Classification: Uncertain significance for Congenital myasthenic syndrome 9; Fetal akinesia deformation sequence 1. Last evaluated: 2025-01-20. Review status: criteria provided, single submitter. Criteria: Invitae Variant Classification Sherloc (09022015). Collection method: clinical testing. Allele origin: germline.
Comment: This sequence change replaces glutamic acid, which is acidic and polar, with aspartic acid, which is acidic and polar, at codon 43 of the MUSK protein (p.Glu43Asp). This variant is not present in population databases (gnomAD no frequency). This variant has not been reported in the literature in individuals affected with MUSK-related conditions. ClinVar contains an entry for this variant (Variation ID: 1384922). Invitae Evidence Modeling of protein sequence and biophysical properties (such as structural, functional, and spatial information, amino acid conservation, physicochemical variation, residue mobility, and thermodynamic stability) indicates that this missense variant is not expected to disrupt MUSK protein function with a negative predictive value of 95%. In summary, the available evidence is currently insufficient to determine the role of this variant in disease. Therefore, it has been classified as a Variant of Uncertain Significance.